The following is an entry in ClinVar:

ClinVar aggregate classification (germline): Likely benign (1 of 4 stars; one submission).

Allele frequency attached by ClinVar (database versions not stated): ExAC 0.00003.
gnomAD v4.1: 22 of 1,614,040 alleles (0.0014%); highest among the groups gnomAD compares: Admixed American, 0.0067%; no homozygotes.

Submission:

CeGaT Center for Human Genetics Tuebingen
Classification: Likely benign. Last evaluated: 2023-03-01. Review status: criteria provided, single submitter. Criteria: CeGaT Center For Human Genetics Tuebingen Variant Classification Criteria Version 2. Collection method: clinical testing. Allele origin: germline. Affected: yes. Observed: 1 variant allele.
Comment: KDM3B: BP4

NM_016604.4(KDM3B):c.1147A>C (p.Thr383Pro)

Gene: KDM3B (lysine demethylase 3B; plus strand). Cytogenetic location: 5q31.2.
Variant type: single nucleotide variant.
Coding change: c.1147A>C on transcript NM_016604.4 (MANE Select); coding-DNA position 1147, A replaced by C.
Protein change: p.Thr383Pro; replaces threonine 383 with proline.
Molecular consequence: missense variant.
Genome position (GRCh38, 1-based): chr5:138,386,388, A>C. VCF-style: chr5-138386388-A-C. GRCh37 (hg19) VCF-style: chr5-137722077-A-C.
Other names: short protein forms T383P.
Identifiers: ClinVar variation 2655715 (VCV002655715.24), dbSNP rs772313729, ClinGen allele CA3428854.